The following is an entry in ClinVar:

NM_001008844.3(DSP):c.3582+1242dup

Gene: DSP (desmoplakin; plus strand). Cytogenetic location: 6p24.3.
Variant type: Duplication.
Coding change: c.3582+1242dup on transcript NM_001008844.3; 1242 bases into the intron after coding-DNA position 3582, one base duplicated (A; older notation c.3582+1242dupA).
Genome position (GRCh38, 1-based): chr6:7,581,014, A duplicated; the last of 2 consecutive A bases (chr6:7,581,013-7,581,014); duplicating either gives the same sequence. VCF-style (leftmost placement, unchanged base first): chr6-7581012-C-CA. GRCh37 (hg19) VCF-style: chr6-7581245-C-CA.
Other names: NM_004415.2:c.4824dupA; p.Ala1609SerfsX18; c.4824dup, p.Ala1609fs (NM_004415.4); c.4050+774dup (NM_001319034.2); short protein forms A1609fs.
Identifiers: ClinVar variation 163276 (VCV000163276.4), dbSNP rs727503003, ClinGen allele CA004180.
Genomic context (GRCh38, chr6:7,581,012, plus strand): 5'-TCCTGCAAGAGGAAGAAGCTGGAGGAAGAGCTGGAAGGCATGAGGAGGTCGCTGAAGGAG[C>CA]AAGCCATCAAAATCACCAACCTGACCCAGCAGCTGGAGCAGGCATCCATTGTTAAGAAGA-3'

ClinVar aggregate classification (germline): Likely pathogenic (1 of 4 stars; one submission).

Conditions:
Primary dilated cardiomyopathy (DCM). Also called: Dilated Cardiomyopathy. Identifiers: Orphanet 217604, MedGen C0007193, MeSH D002311, MONDO:0005021, HP:0001644. Inheritance: Various modes of inheritance.
Arrhythmogenic right ventricular cardiomyopathy (ARVD). Also called: Arrhythmogenic cardiomyopathy; Arrhythmogenic Right Ventricular Cardiomyopathy (ARVC); Cardiomyopathy, ARVC; Arrhythmogenic right ventricular dysplasia. Identifiers: Orphanet 247, MedGen C0349788, MeSH D019571, MONDO:0016587. Disease mechanism: loss of function. Inheritance: Various modes of inheritance.

Submission:

Laboratory for Molecular Medicine, Mass General Brigham Personalized Medicine
Classification: Likely pathogenic for Arrhythmogenic right ventricular cardiomyopathy; Primary dilated cardiomyopathy. Last evaluated: 2013-08-09. Review status: criteria provided, single submitter. Criteria: LMM Criteria. Collection method: clinical testing. Allele origin: germline. Inheritance: Autosomal dominant inheritance. Observed: 1 variant allele.
Comment: The Ala1609fs variant in DSP has not been reported in individuals with cardiomyo pathy. This frameshift variant is predicted to alter the protein?s amino acid se quence beginning at position 1609 and lead to a premature termination codon 18 a mino acids downstream. This alteration is then predicted to lead to a truncated or absent protein. Truncating variants in the DSP gene have been described in pa tients with ARVC. In summary, this variant is likely to be pathogenic, though additional studies are required to fully establish its clinical significance.

Literature cited by the submitters: PubMed 21859740; PubMed 21606390; PubMed 20716751.